The following is an entry in ClinVar:

NM_001080453.3(INTS1):c.6268C>T (p.Arg2090Trp)

Gene: INTS1 (integrator complex subunit 1; minus strand). Cytogenetic location: 7p22.3.
Variant type: single nucleotide variant.
Coding change: c.6268C>T on transcript NM_001080453.3 (MANE Select); coding-DNA position 6268, C replaced by T.
Protein change: p.Arg2090Trp; replaces arginine 2090 with tryptophan.
Molecular consequence: missense variant.
Genome position (GRCh38, 1-based): chr7:1,471,212, G>A on the plus strand (C>T on the coding strand, the complement: INTS1 is on the minus strand). VCF-style: chr7-1471212-G-A. GRCh37 (hg19) VCF-style: chr7-1510848-G-A.
Other names: c.2785C>T, p.Arg929Trp (NM_015674.1); short protein forms R929W, R2090W.
Identifiers: ClinVar variation 3110063 (VCV003110063.2), dbSNP rs541180800, ClinGen allele CA4118010.

ClinVar aggregate classification (germline): Uncertain significance. Review status: criteria provided, multiple submitters, no conflicts (2 of 4 stars). 2 submissions from 2 submitters: Uncertain significance (2). Last evaluated 2025-05-20.

Conditions:
Inborn genetic diseases. Identifiers: MedGen C0950123, MeSH D030342.

Allele frequency attached by ClinVar (database versions not stated): ExAC 0.00007; 1000 Genomes Project 30x 0.00031; 1000 Genomes Project 0.00020; TOPMed 0.00002; gnomAD 0.00003.

Submissions (2):

GeneDx
Classification: Uncertain significance. Last evaluated: 2025-05-20. Review status: criteria provided, single submitter. Criteria: GeneDx Variant Classification Process June 2021. Collection method: clinical testing. Allele origin: germline. Affected: yes.
Comment: In silico analysis supports that this missense variant has a deleterious effect on protein structure/function; Has not been previously published as pathogenic or benign to our knowledge

Ambry Genetics
Classification: Uncertain significance for Inborn genetic diseases. Last evaluated: 2024-01-17. Review status: criteria provided, single submitter. Criteria: Ambry Variant Classification Scheme 2023. Collection method: clinical testing. Allele origin: germline.